The following is an entry in ClinVar:

NM_001282531.3(ADNP):c.3071A>T (p.Glu1024Val)

Gene: ADNP (activity dependent neuroprotector homeobox; minus strand). Cytogenetic location: 20q13.13.
Variant type: single nucleotide variant.
Coding change: c.3071A>T on transcript NM_001282531.3 (MANE Select); coding-DNA position 3071, A replaced by T.
Protein change: p.Glu1024Val; replaces glutamic acid 1024 with valine.
Molecular consequence: missense variant.
Genome position (GRCh38, 1-based): chr20:50,891,643, T>A on the plus strand (A>T on the coding strand, the complement: ADNP is on the minus strand). VCF-style: chr20-50891643-T-A. GRCh37 (hg19) VCF-style: chr20-49508180-T-A.
Other names: c.3071A>T, p.Glu1024Val (NM_001347511.2, NM_015339.5, NM_181442.4 and 1 more transcripts); c.3071A>T (NM_015339.2); short protein forms E1024V.
Identifiers: ClinVar variation 1912858 (VCV001912858.3), dbSNP rs1980738684, ClinGen allele CA408967163.

ClinVar aggregate classification (germline): Uncertain significance. Review status: criteria provided, multiple submitters, no conflicts (2 of 4 stars). 2 submissions from 2 submitters: Uncertain significance (2). Last evaluated 2024-01-09.

Conditions:
Inborn genetic diseases. Identifiers: MedGen C0950123, MeSH D030342.

Allele frequency attached by ClinVar (database versions not stated): gnomAD 0.00001.
gnomAD v4.1: 1 of 1,614,038 alleles (0.000062%); highest among the groups gnomAD compares: African/African-American, 0.0013%; no homozygotes.

Submissions (2):

Ambry Genetics
Classification: Uncertain significance for Inborn genetic diseases. Last evaluated: 2024-01-09. Review status: criteria provided, single submitter. Criteria: Ambry Variant Classification Scheme 2023. Collection method: clinical testing. Allele origin: germline.

Labcorp Genetics (formerly Invitae), Labcorp
Classification: Uncertain significance. Last evaluated: 2020-12-09. Review status: criteria provided, single submitter. Criteria: Invitae Variant Classification Sherloc (09022015). Collection method: clinical testing. Allele origin: germline.
Comment: This sequence change replaces glutamic acid with valine at codon 1024 of the ADNP protein (p.Glu1024Val). The glutamic acid residue is moderately conserved and there is a moderate physicochemical difference between glutamic acid and valine. This variant is not present in population databases (ExAC no frequency). This variant has not been reported in the literature in individuals with ADNP-related conditions. Algorithms developed to predict the effect of missense changes on protein structure and function are either unavailable or do not agree on the potential impact of this missense change (SIFT: "Deleterious"; PolyPhen-2: "Benign"; Align-GVGD: "Class C0"). In summary, the available evidence is currently insufficient to determine the role of this variant in disease. Therefore, it has been classified as a Variant of Uncertain Significance.